The following is an entry in ClinVar:

NM_005148.4(UNC119):c.503G>T (p.Arg168Leu)

Gene: UNC119 (unc-119 lipid binding chaperone; minus strand). Cytogenetic location: 17q11.2.
Variant type: single nucleotide variant.
Coding change: c.503G>T on transcript NM_005148.4 (MANE Select); coding-DNA position 503, G replaced by T.
Protein change: p.Arg168Leu; replaces arginine 168 with leucine.
Molecular consequence: missense variant.
Genome position (GRCh38, 1-based): chr17:28,547,784, C>A on the plus strand (G>T on the coding strand, the complement: UNC119 is on the minus strand). VCF-style: chr17-28547784-C-A. GRCh37 (hg19) VCF-style: chr17-26874802-C-A.
Other names: c.218G>T, p.Arg73Leu (NM_001330166.2); c.503G>T, p.Arg168Leu (NM_054035.2); short protein forms R73L, R168L.
Identifiers: ClinVar variation 1387366 (VCV001387366.8), dbSNP rs140667534, ClinGen allele CA8459763.

ClinVar aggregate classification (germline): Uncertain significance (1 of 4 stars; one submission).

Allele frequency attached by ClinVar (database versions not stated): TOPMed below 0.00001; ESP Exome Variant Server 0.00008.

Submission:

Labcorp Genetics (formerly Invitae), Labcorp
Classification: Uncertain significance. Last evaluated: 2023-10-30. Review status: criteria provided, single submitter. Criteria: Invitae Variant Classification Sherloc (09022015). Collection method: clinical testing. Allele origin: germline.
Comment: This sequence change replaces arginine, which is basic and polar, with leucine, which is neutral and non-polar, at codon 168 of the UNC119 protein (p.Arg168Leu). This variant is not present in population databases (gnomAD no frequency). This variant has not been reported in the literature in individuals affected with UNC119-related conditions. ClinVar contains an entry for this variant (Variation ID: 1387366). An algorithm developed to predict the effect of missense changes on protein structure and function (PolyPhen-2) suggests that this variant is likely to be disruptive. In summary, the available evidence is currently insufficient to determine the role of this variant in disease. Therefore, it has been classified as a Variant of Uncertain Significance.